The following is an entry in ClinVar:

ClinVar aggregate classification (germline): Pathogenic (1 of 4 stars; one submission).

Submission:

Labcorp Genetics (formerly Invitae), Labcorp
Classification: Pathogenic. Last evaluated: 2023-10-24. Review status: criteria provided, single submitter. Criteria: Invitae Variant Classification Sherloc (09022015). Collection method: clinical testing. Allele origin: germline.
Comment: This sequence change creates a premature translational stop signal (p.Gln1869Serfs*13) in the ATR gene. It is expected to result in an absent or disrupted protein product. Loss-of-function variants in ATR are known to be pathogenic (PMID: 21228398, 23144622). This variant is not present in population databases (gnomAD no frequency). This variant has not been reported in the literature in individuals affected with ATR-related conditions. For these reasons, this variant has been classified as Pathogenic.

Literature cited by the submitters: PubMed 21228398; PubMed 23144622.

NM_001184.4(ATR):c.5605del (p.Gln1869fs)

Gene: ATR (ATR checkpoint kinase; minus strand). Cytogenetic location: 3q23.
Variant type: Deletion.
Coding change: c.5605del on transcript NM_001184.4 (MANE Select); coding-DNA position 5605, one base deleted (C; older notation c.5605delC).
Protein change: p.Gln1869fs; shifts the reading frame from glutamine 1869.
Molecular consequence: frameshift variant.
Genome position (GRCh38, 1-based): chr3:142,497,146, G deleted on the plus strand (C on the coding strand, the reverse complement: ATR is on the minus strand); the first of 2 consecutive G bases (chr3:142,497,146-142,497,147); deleting either gives the same sequence. VCF-style (leftmost placement, unchanged base first): chr3-142497145-TG-T. GRCh37 (hg19) VCF-style: chr3-142215987-TG-T.
Other names: c.5413del, p.Gln1805fs (NM_001354579.2); short protein forms Q1805fs, Q1869fs.
Identifiers: ClinVar variation 2771627 (VCV002771627.3), dbSNP rs2473158913, ClinGen allele CA2697556898.